The following is an entry in ClinVar:

ClinVar aggregate classification (germline): Benign. Review status: criteria provided, multiple submitters, no conflicts (2 of 4 stars). 19 submissions from 15 submitters: Benign (14). 5 of the submissions do not count toward it. Last evaluated 2026-02-04.

Conditions:
Connective tissue disorder. Also called: Connective tissue disease. Identifiers: MedGen C0009782, MONDO:0003900.
Diastrophic dysplasia (DTD). Also called: Diastrophic dwarfism. Identifiers: Orphanet 628, MedGen C0220726, MONDO:0009107, OMIM 222600.
Multiple epiphyseal dysplasia type 4 (EDM4). Also called: Multiple Epiphyseal Dysplasia, Recessive; MULTIPLE EPIPHYSEAL DYSPLASIA WITH BILAYERED PATELLAE; MULTIPLE EPIPHYSEAL DYSPLASIA WITH CLUBFOOT; MULTIPLE EPIPHYSEAL DYSPLASIA, AUTOSOMAL RECESSIVE; SLC26A2-Related Multiple Epiphyseal Dysplasia. Identifiers: Orphanet 93307, MedGen C1847593, MONDO:0009189, OMIM 226900.
Achondrogenesis, type IB (ACG1B). Also called: Achondrogenesis Type 1B. Identifiers: Orphanet 932, Orphanet 93298, MedGen C0265274, MONDO:0010966, OMIM 600972.
Atelosteogenesis type II (AO2). Also called: Neonatal osseous dysplasia 1; NEONATAL OSSEOUS DYSPLASIA I; SLC26A2-Related Atelosteogenesis. Identifiers: Orphanet 56304, MedGen C1850554, MONDO:0009727, OMIM 256050.
Sulfate transporter-related osteochondrodysplasia. Also called: DTDST-related dysplasias. Identifiers: MedGen CN120497. Disease mechanism: loss of function.

Allele frequency attached by ClinVar (database versions not stated): gnomAD exomes 0.98957 and 0.99308; ExAC 0.99277; gnomAD 0.99306 and 0.99316; ESP Exome Variant Server 0.99323; TOPMed 0.99346; 1000 Genomes Project 30x 0.99578.

Submissions (19):

Labcorp Genetics (formerly Invitae), Labcorp
Classification: Benign for Atelosteogenesis type II; Multiple epiphyseal dysplasia type 4; Achondrogenesis, type IB; Diastrophic dysplasia. Last evaluated: 2026-02-04. Review status: criteria provided, single submitter. Criteria: Invitae Variant Classification Sherloc (09022015). Collection method: clinical testing. Allele origin: germline.

ARUP Laboratories, Molecular Genetics and Genomics, ARUP Laboratories
Classification: Benign. Last evaluated: 2025-07-22. Review status: criteria provided, single submitter. Criteria: ARUP Molecular Germline Variant Investigation Process 2024. Collection method: clinical testing. Allele origin: germline.

Blueprint Genetics
Classification: Benign. Last evaluated: 2024-11-26. Review status: criteria provided, single submitter. Criteria: ACMG Guidelines, 2015. Collection method: clinical testing. Allele origin: germline.

Genome Diagnostics Laboratory, The Hospital for Sick Children
Classification: Benign for Connective tissue disorder. Last evaluated: 2022-07-18. Review status: criteria provided, single submitter. Criteria: ACMG Guidelines, 2015. Collection method: clinical testing. Allele origin: germline.

Mayo Clinic Laboratories, Mayo Clinic
Classification: Benign. Last evaluated: 2018-10-02. Review status: criteria provided, single submitter. Criteria: ACMG Guidelines, 2015. Collection method: clinical testing. Allele origin: germline. Observed: 45 variant alleles.

Illumina Laboratory Services, Illumina
Classification: Benign for Atelosteogenesis type II. Last evaluated: 2017-04-27. Review status: criteria provided, single submitter. Criteria: ICSL Variant Classification Criteria 13 December 2019. Collection method: clinical testing. Allele origin: germline.
Comment: This variant was observed as part of a predisposition screen in an ostensibly healthy population. A literature search was performed for the gene, cDNA change, and amino acid change (where applicable). No publications were found based on this search. Allele frequency data from public databases was too high to be consistent with this variant causing disease. Therefore, this variant is classified as benign.

Illumina Laboratory Services, Illumina
Classification: Benign for Diastrophic dysplasia. Last evaluated: 2017-04-27. Review status: criteria provided, single submitter. Criteria: ICSL Variant Classification Criteria 13 December 2019. Collection method: clinical testing. Allele origin: germline.
Comment: the same text as in the submission from Illumina Laboratory Services, Illumina above.

Illumina Laboratory Services, Illumina
Classification: Benign for Achondrogenesis, type IB. Last evaluated: 2017-04-27. Review status: criteria provided, single submitter. Criteria: ICSL Variant Classification Criteria 13 December 2019. Collection method: clinical testing. Allele origin: germline.
Comment: the same text as in the submission from Illumina Laboratory Services, Illumina above.

Illumina Laboratory Services, Illumina
Classification: Benign for Multiple epiphyseal dysplasia type 4. Last evaluated: 2017-04-27. Review status: criteria provided, single submitter. Criteria: ICSL Variant Classification Criteria 13 December 2019. Collection method: clinical testing. Allele origin: germline.
Comment: the same text as in the submission from Illumina Laboratory Services, Illumina above.

Illumina Laboratory Services, Illumina
Classification: Benign for Osteochondrodysplasia. Last evaluated: 2017-04-27. Review status: criteria provided, single submitter. Criteria: ICSL Variant Classification Criteria 13 December 2019. Collection method: clinical testing. Allele origin: germline.
Comment: the same text as in the submission from Illumina Laboratory Services, Illumina above.

GeneDx
Classification: Benign. Last evaluated: 2016-03-03. Review status: criteria provided, single submitter. Criteria: GeneDx Variant Classification (06012015). Collection method: clinical testing. Allele origin: germline. Affected: yes.
Comment: This variant is considered likely benign or benign based on one or more of the following criteria: it is a conservative change, it occurs at a poorly conserved position in the protein, it is predicted to be benign by multiple in silico algorithms, and/or has population frequency not consistent with disease.

Women's Health and Genetics/Laboratory Corporation of America, LabCorp
Classification: Benign. Last evaluated: 2016-02-29. Review status: criteria provided, single submitter. Criteria: LabCorp Variant Classification Summary - May 2015. Collection method: clinical testing. Allele origin: germline.

Eurofins Ntd Llc (ga)
Classification: Benign. Last evaluated: 2014-12-18. Review status: criteria provided, single submitter. Criteria: EGL Classification Definitions 2015. Collection method: clinical testing. Allele origin: germline. Observed: 4 variant alleles, 4 homozygotes.

PreventionGenetics, part of Exact Sciences
Classification: Benign. Review status: criteria provided, single submitter. Criteria: ACMG Guidelines, 2015. Collection method: clinical testing. Allele origin: germline.

Natera, Inc.
Classification: Benign for Achondrogenesis type IB. Last evaluated: 2020-09-16. Review status: no assertion criteria provided. Collection method: clinical testing. Allele origin: germline. Not counted in ClinVar's aggregate classification.

Diagnostic Laboratory, Department of Genetics, University Medical Center Groningen
Classification: Benign. Review status: no assertion criteria provided. Collection method: clinical testing. Allele origin: germline. Affected: yes. Study: VKGL Data-share Consensus. Not counted in ClinVar's aggregate classification.

Genome Diagnostics Laboratory, Amsterdam University Medical Center
Classification: Benign. Review status: no assertion criteria provided. Collection method: clinical testing. Allele origin: germline. Affected: yes. Study: VKGL Data-share Consensus. Not counted in ClinVar's aggregate classification.

Genome Diagnostics Laboratory, University Medical Center Utrecht
Classification: Benign. Review status: no assertion criteria provided. Collection method: clinical testing. Allele origin: germline. Affected: yes. Study: VKGL Data-share Consensus. Not counted in ClinVar's aggregate classification.

Joint Genome Diagnostic Labs from Nijmegen and Maastricht, Radboudumc and MUMC+
Classification: Benign. Review status: no assertion criteria provided. Collection method: clinical testing. Allele origin: germline. Affected: yes. Study: VKGL Data-share Consensus. Not counted in ClinVar's aggregate classification.

Literature cited by the submitters: PubMed 17393463 (cited by Women's Health and Genetics/Laboratory Corporation of America, LabCorp).

NM_000112.4(SLC26A2):c.1721T>C (p.Ile574Thr)

Gene: SLC26A2 (solute carrier family 26 member 2; plus strand). Cytogenetic location: 5q32.
Variant type: single nucleotide variant.
Coding change: c.1721T>C on transcript NM_000112.4 (MANE Select); coding-DNA position 1721, T replaced by C.
Protein change: p.Ile574Thr; replaces isoleucine 574 with threonine.
Molecular consequence: missense variant.
Genome position (GRCh38, 1-based): chr5:149,981,314, T>C. VCF-style: chr5-149981314-T-C. GRCh37 (hg19) VCF-style: chr5-149360877-T-C.
Other names: short protein forms I574T.
Identifiers: ClinVar variation 196209 (VCV000196209.46), dbSNP rs30832, ClinGen allele CA202204.